The following is an entry in ClinVar:

ClinVar aggregate classification (germline): Conflicting classifications of pathogenicity. Review status: criteria provided, conflicting classifications (1 of 4 stars). 6 submissions from 6 submitters: Uncertain significance (4); Likely benign (2). Last evaluated 2025-07-23.

Conditions:
Hereditary cancer-predisposing syndrome. Also called: Tumor predisposition; Hereditary Cancer Syndrome; Hereditary neoplastic syndrome; Neoplastic Syndromes, Hereditary. Identifiers: Orphanet 140162, MedGen C0027672, MeSH D009386, MONDO:0015356.
Multiple endocrine neoplasia, type 2 (MEN2). Identifiers: Orphanet 653, MedGen C4048306, MONDO:0019003. Disease mechanism: gain of function.

Allele frequency attached by ClinVar (database versions not stated): gnomAD exomes below 0.00001; TOPMed below 0.00001; gnomAD 0.00001 and 0.00003.

Submissions (6):

Labcorp Genetics (formerly Invitae), Labcorp
Classification: Uncertain significance for Multiple endocrine neoplasia, type 2. Last evaluated: 2025-07-23. Review status: criteria provided, single submitter. Criteria: Invitae Variant Classification Sherloc (09022015). Collection method: clinical testing. Allele origin: germline.
Comment: This sequence change replaces glutamic acid, which is acidic and polar, with lysine, which is basic and polar, at codon 252 of the RET protein (p.Glu252Lys). This variant is present in population databases (no rsID available, gnomAD 0.03%). This variant has not been reported in the literature in individuals affected with RET-related conditions. ClinVar contains an entry for this variant (Variation ID: 582550). An algorithm developed to predict the effect of missense changes on protein structure and function outputs the following: PolyPhen-2: "Benign". The lysine amino acid residue is found in multiple mammalian species, which suggests that this missense change does not adversely affect protein function. In summary, the available evidence is currently insufficient to determine the role of this variant in disease. Therefore, it has been classified as a Variant of Uncertain Significance.

Color Diagnostics, LLC DBA Color Health
Classification: Uncertain significance for Multiple endocrine neoplasia, type 2. Last evaluated: 2025-07-05. Review status: criteria provided, single submitter. Criteria: ACMG Guidelines, 2015. Collection method: clinical testing. Allele origin: germline.
Comment: This missense variant replaces glutamic acid with lysine at codon 252 of the RET protein. Computational prediction suggests that this variant may not impact protein structure and function. To our knowledge, functional studies have not been reported for this variant. This variant has not been reported as a germline variant in individuals affected with RET-related disorders in the literature. This variant has been identified in 1/276398 chromosomes in the general population by the Genome Aggregation Database (gnomAD). The available evidence is insufficient to determine the role of this variant in disease conclusively. Therefore, this variant is classified as a Variant of Uncertain Significance.

CeGaT Center for Human Genetics Tuebingen
Classification: Likely benign. Last evaluated: 2025-07-01. Review status: criteria provided, single submitter. Criteria: CeGaT Center For Human Genetics Tuebingen Variant Classification Criteria Version 2. Collection method: clinical testing. Allele origin: germline. Affected: yes. Observed: 1 variant allele.
Comment: RET: BP4

ARUP Laboratories, Molecular Genetics and Genomics, ARUP Laboratories
Classification: Uncertain significance. Last evaluated: 2024-08-12. Review status: criteria provided, single submitter. Criteria: ARUP Molecular Germline Variant Investigation Process 2024. Collection method: clinical testing. Allele origin: germline.
Comment: The RET c.754G>A; p.Glu252Lys variant (rs950977184), to our knowledge, is not reported in the medical literature but is reported in ClinVar (Variation ID: 582550). This variant is found on one allele in the Genome Aggregation Database (v2.1.1). Computational analyses predict that this variant is neutral (REVEL: 0.033). Due to limited information, the clinical significance of this variant is uncertain at this time.

Ambry Genetics
Classification: Likely benign for Hereditary cancer-predisposing syndrome. Last evaluated: 2024-07-30. Review status: criteria provided, single submitter. Criteria: Ambry Variant Classification Scheme 2023. Collection method: clinical testing. Allele origin: germline.

All of Us Research Program, National Institutes of Health
Classification: Uncertain significance for Multiple endocrine neoplasia, type 2. Last evaluated: 2023-10-02. Review status: criteria provided, single submitter. Criteria: ACMG Guidelines, 2015. Collection method: clinical testing. Allele origin: germline. Inheritance: Autosomal dominant inheritance. Observed: 2 variant alleles, 2 heterozygotes.
Comment: This missense variant replaces glutamic acid with lysine at codon 252 of the RET protein. Computational prediction suggests that this variant may not impact protein structure and function (internally defined REVEL score threshold <= 0.5, PMID: 27666373). To our knowledge, functional studies have not been reported for this variant. This variant has not been reported as a germline variant in individuals affected with RET-related disorders in the literature. This variant has been identified in 1/276398 chromosomes in the general population by the Genome Aggregation Database (gnomAD). The available evidence is insufficient to determine the role of this variant in disease conclusively. Therefore, this variant is classified as a Variant of Uncertain Significance.

This study involves interpretation of variants in research participants for the purpose of population health screening. Participant phenotype was not available at the time of variant classification. Additional details can be found in publication PMID: 35346344, PMCID: PMC8962531

NM_020975.6(RET):c.754G>A (p.Glu252Lys)

Gene: RET (ret proto-oncogene; plus strand). Cytogenetic location: 10q11.21.
Variant type: single nucleotide variant.
Coding change: c.754G>A on transcript NM_020975.6 (MANE Select); coding-DNA position 754, G replaced by A.
Protein change: p.Glu252Lys; replaces glutamic acid 252 with lysine.
Molecular consequence: missense variant.
Genome position (GRCh38, 1-based): chr10:43,105,080, G>A. VCF-style: chr10-43105080-G-A. GRCh37 (hg19) VCF-style: chr10-43600528-G-A.
Other names: c.754G>A, p.Glu252Lys (NM_000323.2, NM_001406743.1, NM_001406744.1 and 8 more transcripts); c.-9G>A (NM_001355216.2); c.625G>A, p.Glu209Lys (NM_001406761.1, NM_001406762.1, NM_001406764.1 and 2 more transcripts); c.466G>A, p.Glu156Lys (NM_001406766.1, NM_001406767.1, NM_001406770.1); short protein forms E252K, E156K, E209K.
Identifiers: ClinVar variation 582550 (VCV000582550.25), dbSNP rs950977184, ClinGen allele CA206256829.